The following is an entry in ClinVar:

NM_000372.5(TYR):c.135dup (p.Cys46fs)

Gene: TYR (tyrosinase; plus strand). Cytogenetic location: 11q14.3.
Variant type: Duplication.
Coding change: c.135dup on transcript NM_000372.5 (MANE Select); coding-DNA position 135, one base duplicated (C; older notation c.135dupC).
Protein change: p.Cys46fs; shifts the reading frame from cysteine 46.
Molecular consequence: frameshift variant.
Genome position (GRCh38, 1-based): chr11:89,178,088, C duplicated; the last of 3 consecutive C bases (chr11:89,178,086-89,178,088); duplicating any one gives the same sequence. VCF-style (leftmost placement, unchanged base first): chr11-89178085-T-TC. GRCh37 (hg19) VCF-style: chr11-88911253-T-TC.
Other names: short protein forms C46fs.
Identifiers: ClinVar variation 2735719 (VCV002735719.3), dbSNP rs2496528041, ClinGen allele CA2615470497.

ClinVar aggregate classification (germline): Pathogenic (1 of 4 stars; one submission).

Submission:

Labcorp Genetics (formerly Invitae), Labcorp
Classification: Pathogenic. Last evaluated: 2023-08-06. Review status: criteria provided, single submitter. Criteria: Invitae Variant Classification Sherloc (09022015). Collection method: clinical testing. Allele origin: germline.
Comment: For these reasons, this variant has been classified as Pathogenic. This premature translational stop signal has been observed in individual(s) with ocular albinism (PMID: 23504663). This variant is not present in population databases (gnomAD no frequency). This sequence change creates a premature translational stop signal (p.Cys46Leufs*31) in the TYR gene. It is expected to result in an absent or disrupted protein product. Loss-of-function variants in TYR are known to be pathogenic (PMID: 23504663).

Literature cited by the submitters: PubMed 23504663.